The following is an entry in ClinVar:

NM_001849.4(COL6A2):c.848G>T (p.Gly283Val)

Gene: COL6A2 (collagen type VI alpha 2 chain; plus strand). Cytogenetic location: 21q22.3.
Variant type: single nucleotide variant.
Coding change: c.848G>T on transcript NM_001849.4 (MANE Select); coding-DNA position 848, G replaced by T.
Protein change: p.Gly283Val; replaces glycine 283 with valine.
Molecular consequence: missense variant.
Genome position (GRCh38, 1-based): chr21:46,115,918, G>T. VCF-style: chr21-46115918-G-T. GRCh37 (hg19) VCF-style: chr21-47535832-G-T.
Other names: c.848G>T, p.Gly283Val (NM_058174.3, NM_058175.3); short protein forms G283V.
Identifiers: ClinVar variation 938437 (VCV000938437.10), dbSNP rs886044088, ClinGen allele CA410524896.

ClinVar aggregate classification (germline): Likely pathogenic (1 of 4 stars; one submission).

Conditions:
Bethlem myopathy 1A. Also called: Bethlem Muscular Dystrophy; MYOPATHY, BENIGN CONGENITAL, WITH CONTRACTURES; Bethlem myopathy 1. Identifiers: Orphanet 610, MedGen CN029274, MONDO:0024530, OMIM 158810.

Submission:

Labcorp Genetics (formerly Invitae), Labcorp
Classification: Likely pathogenic for Bethlem myopathy 1A. Last evaluated: 2019-08-27. Review status: criteria provided, single submitter. Criteria: Invitae Variant Classification Sherloc (09022015). Collection method: clinical testing. Allele origin: germline.
Comment: Glycine residues within the Gly-Xaa-Yaa repeats of the triple helix domain are required for the structure and stability of fibrillar collagens (PMID: 7695699, 8218237, 19344236). In COL6A2, missense variants at these glycine residues are significantly enriched in individuals with disease (PMID: 15689448, 24038877) compared to the general population (ExAC). In summary, the currently available evidence indicates that the variant is pathogenic, but additional data are needed to prove that conclusively. Therefore, this variant has been classified as Likely Pathogenic. Algorithms developed to predict the effect of sequence changes on RNA splicing suggest that this variant may create or strengthen a splice site, but this prediction has not been confirmed by published transcriptional studies. Algorithms developed to predict the effect of missense changes on protein structure and function (SIFT, PolyPhen-2, Align-GVGD) all suggest that this variant is likely to be disruptive, but these predictions have not been confirmed by published functional studies and their clinical significance is uncertain. This variant has not been reported in the literature in individuals with COL6A2-related conditions. This variant is not present in population databases (ExAC no frequency). This sequence change replaces glycine with valine at codon 283 of the COL6A2 protein (p.Gly283Val). The glycine residue is highly conserved and there is a moderate physicochemical difference between glycine and valine.

Literature cited by the submitters: PubMed 7695699; PubMed 8218237; PubMed 19344236; PubMed 15689448; PubMed 24038877.